The following is an entry in ClinVar:

ClinVar aggregate classification (germline): Likely pathogenic (1 of 4 stars; one submission).

Conditions:
Catecholaminergic polymorphic ventricular tachycardia 1. Also called: RYR2-Related Catecholaminergic Polymorphic Ventricular Tachycardia; VENTRICULAR TACHYCARDIA, STRESS-INDUCED POLYMORPHIC 1; VENTRICULAR TACHYCARDIA, CATECHOLAMINERGIC POLYMORPHIC, 1, WITH OR WITHOUT ATRIAL DYSFUNCTION AND/OR DILATED CARDIOMYOPATHY. Identifiers: Orphanet 3286, MedGen C1631597, MONDO:0011484, OMIM 604772.

Submission:

Labcorp Genetics (formerly Invitae), Labcorp
Classification: Likely pathogenic for Catecholaminergic polymorphic ventricular tachycardia 1. Last evaluated: 2024-01-15. Review status: criteria provided, single submitter. Criteria: Invitae Variant Classification Sherloc (09022015). Collection method: clinical testing. Allele origin: germline.
Comment: This sequence change replaces lysine, which is basic and polar, with methionine, which is neutral and non-polar, at codon 4751 of the RYR2 protein (p.Lys4751Met). This variant is not present in population databases (gnomAD no frequency). This variant has not been reported in the literature in individuals affected with RYR2-related conditions. ClinVar contains an entry for this variant (Variation ID: 1467901). Advanced modeling of protein sequence and biophysical properties (such as structural, functional, and spatial information, amino acid conservation, physicochemical variation, residue mobility, and thermodynamic stability) performed at Invitae indicates that this missense variant is expected to disrupt RYR2 protein function with a positive predictive value of 95%. This variant disrupts the p.Lys4751 amino acid residue in RYR2. Other variant(s) that disrupt this residue have been determined to be pathogenic (Invitae). This suggests that this residue is clinically significant, and that variants that disrupt this residue are likely to be disease-causing. In summary, the currently available evidence indicates that the variant is pathogenic, but additional data are needed to prove that conclusively. Therefore, this variant has been classified as Likely Pathogenic.

NM_001035.3(RYR2):c.14252A>T (p.Lys4751Met)

Gene: RYR2 (ryanodine receptor 2; plus strand). Cytogenetic location: 1q43.
Variant type: single nucleotide variant.
Coding change: c.14252A>T on transcript NM_001035.3 (MANE Select); coding-DNA position 14252, A replaced by T.
Protein change: p.Lys4751Met; replaces lysine 4751 with methionine.
Molecular consequence: missense variant.
Genome position (GRCh38, 1-based): chr1:237,806,237, A>T. VCF-style: chr1-237806237-A-T. GRCh37 (hg19) VCF-style: chr1-237969537-A-T.
Other names: short protein forms K4751M.
Identifiers: ClinVar variation 1467901 (VCV001467901.7), dbSNP rs2149437719, ClinGen allele CA345423169.